The following is an entry in ClinVar:

NM_005529.7(HSPG2):c.9030G>A (p.Pro3010=)

Gene: HSPG2 (heparan sulfate proteoglycan 2; minus strand). Cytogenetic location: 1p36.12.
Variant type: single nucleotide variant.
Coding change: c.9030G>A on transcript NM_005529.7 (MANE Select); coding-DNA position 9030, G replaced by A.
Protein change: p.Pro3010=; no amino-acid change (proline 3010 retained).
Molecular consequence: synonymous variant.
Genome position (GRCh38, 1-based): chr1:21,842,261, C>T on the plus strand (G>A on the coding strand, the complement: HSPG2 is on the minus strand). VCF-style: chr1-21842261-C-T. GRCh37 (hg19) VCF-style: chr1-22168754-C-T.
Other names: c.9033G>A, p.Pro3011= (NM_001291860.2); c.9030G>A (NM_005529.6).
Identifiers: ClinVar variation 874993 (VCV000874993.10), dbSNP rs202067055, ClinGen allele CA670586.

ClinVar aggregate classification (germline): Conflicting classifications of pathogenicity. Review status: criteria provided, conflicting classifications (1 of 4 stars). 5 submissions from 4 submitters: Uncertain significance (2); Benign (1); Likely benign (1). 1 of the submissions does not count toward it. Last evaluated 2025-10-14.

Conditions:
HSPG2-related disorder. Also called: HSPG2-related condition; HSPG2-related disorders.
Lethal Kniest-like syndrome (DDSH). Also called: Dyssegmental Dysplasia. Identifiers: Orphanet 1865, MedGen C1857100, MONDO:0009140, OMIM 224410.
Schwartz-Jampel syndrome. Also called: Myotonic myopathy dwarfism chondrodystrophy and ocular and facial abnormalities. Identifiers: Orphanet 800, MedGen C0036391, MONDO:0009717.

Allele frequency attached by ClinVar (database versions not stated): ESP Exome Variant Server 0.00008; gnomAD exomes 0.00009 and 0.00013; gnomAD 0.00010 and 0.00026; ExAC 0.00014; TOPMed 0.00028.
gnomAD v4.1: 176 of 1,613,364 alleles (0.011%); highest among the groups gnomAD compares: Non-Finnish European, 0.0058%; no homozygotes.

Submissions (5):

Labcorp Genetics (formerly Invitae), Labcorp
Classification: Benign. Last evaluated: 2025-10-14. Review status: criteria provided, single submitter. Criteria: Invitae Variant Classification Sherloc (09022015). Collection method: clinical testing. Allele origin: germline.

Blueprint Genetics
Classification: Likely benign. Last evaluated: 2023-11-23. Review status: criteria provided, single submitter. Criteria: ACMG Guidelines, 2015. Collection method: clinical testing. Allele origin: germline.

Illumina Laboratory Services, Illumina
Classification: Uncertain significance for Schwartz-Jampel syndrome type 1. Last evaluated: 2017-04-27. Review status: criteria provided, single submitter. Criteria: ICSL Variant Classification Criteria 13 December 2019. Collection method: clinical testing. Allele origin: germline.

Illumina Laboratory Services, Illumina
Classification: Uncertain significance for Lethal Kniest-like syndrome. Last evaluated: 2017-04-27. Review status: criteria provided, single submitter. Criteria: ICSL Variant Classification Criteria 13 December 2019. Collection method: clinical testing. Allele origin: germline.

PreventionGenetics, part of Exact Sciences
Classification: Likely benign for HSPG2-related condition. Last evaluated: 2020-02-24. Review status: no assertion criteria provided. Collection method: clinical testing. Allele origin: germline. Not counted in ClinVar's aggregate classification.
Comment: This variant is classified as likely benign based on ACMG/AMP sequence variant interpretation guidelines (Richards et al. 2015 PMID: 25741868, with internal and published modifications).